The following is an entry in ClinVar:

ClinVar aggregate classification (germline): Uncertain significance (1 of 4 stars; one submission).

Conditions:
Joubert syndrome 23 (JBTS23). Identifiers: Orphanet 475, MedGen C4084822, MONDO:0014664, OMIM 616490.
Short-rib thoracic dysplasia 14 with polydactyly (SRTD14). Identifiers: Orphanet 397715, MedGen C4225286, MONDO:0014688, OMIM 616546.

Allele frequency attached by ClinVar (database versions not stated): gnomAD 0.00005; ExAC 0.00008.
gnomAD v4.1: 63 of 1,612,722 alleles (0.0039%); highest among the groups gnomAD compares: South Asian, 0.0077%; 1 homozygote.

Submission:

Labcorp Genetics (formerly Invitae), Labcorp
Classification: Uncertain significance for Joubert syndrome 23; Short-rib thoracic dysplasia 14 with polydactyly. Last evaluated: 2022-04-11. Review status: criteria provided, single submitter. Criteria: Invitae Variant Classification Sherloc (09022015). Collection method: clinical testing. Allele origin: germline.
Comment: This sequence change replaces aspartic acid, which is acidic and polar, with asparagine, which is neutral and polar, at codon 775 of the KIAA0586 protein (p.Asp775Asn). This variant is present in population databases (rs750671663, gnomAD 0.04%). This variant has not been reported in the literature in individuals affected with KIAA0586-related conditions. Algorithms developed to predict the effect of missense changes on protein structure and function are either unavailable or do not agree on the potential impact of this missense change (SIFT: "Deleterious"; PolyPhen-2: "Possibly Damaging"; Align-GVGD: "Class C0"). In summary, the available evidence is currently insufficient to determine the role of this variant in disease. Therefore, it has been classified as a Variant of Uncertain Significance.

NM_001329943.3(KIAA0586):c.2164G>A (p.Asp722Asn)

Gene: KIAA0586 (KIAA0586; plus strand). Cytogenetic location: 14q23.1.
Variant type: single nucleotide variant.
Coding change: c.2164G>A on transcript NM_001329943.3 (MANE Select); coding-DNA position 2164, G replaced by A.
Protein change: p.Asp722Asn; replaces aspartic acid 722 with asparagine.
Molecular consequence: missense variant.
Genome position (GRCh38, 1-based): chr14:58,465,939, G>A. VCF-style: chr14-58465939-G-A. GRCh37 (hg19) VCF-style: chr14-58932657-G-A.
Other names: c.2323G>A, p.Asp775Asn (NM_001244189.2); c.2119G>A, p.Asp707Asn (NM_001244190.2); c.1909G>A, p.Asp637Asn (NM_001244191.2, NM_001329945.2, NM_001364700.1 and 1 more transcripts); c.2032G>A, p.Asp678Asn (NM_001244192.2); c.1744G>A, p.Asp582Asn (NM_001244193.2); c.2164G>A, p.Asp722Asn (NM_001329944.2, NM_001329946.2, NM_001329947.2); c.1936G>A, p.Asp646Asn (NM_014749.5); short protein forms D582N, D678N, D646N, D775N, D707N, D637N, D722N.
Identifiers: ClinVar variation 2181197 (VCV002181197.1), dbSNP rs750671663, ClinGen allele CA7205801.